The following is an entry in ClinVar:

ClinVar aggregate classification (germline): Uncertain significance (0 of 4 stars; one submission).

Allele frequency attached by ClinVar (database versions not stated): gnomAD exomes below 0.00001; TOPMed below 0.00001; ExAC 0.00001; gnomAD 0.00001.
gnomAD v4.1: 4 of 1,608,284 alleles (0.00025%); highest among the groups gnomAD compares: East Asian, 0.0022%; no homozygotes.

Submission:

Department of Pathology and Laboratory Medicine, Sinai Health System
Classification: Uncertain significance. Review status: no assertion criteria provided. Collection method: clinical testing. Allele origin: unknown. Affected: yes. Study: The Canadian Open Genetics Repository (COGR).
Comment: The SIK3 p.S726L variant was not identified in the literature nor was it identified in ClinVar. The variant was identified in dbSNP (ID: rs770197979) and in control databases in 1 of 246162 chromosomes at a frequency of 0.000004062 (Genome Aggregation Database March 6, 2019, v2.1.1). The variant was observed in the European (non-Finnish) population in 1 of 111218 chromosomes (freq: 0.000009), but was not observed in the African, Latino, Ashkenazi Jewish, East Asian, European (Finnish), Other, or South Asian populations. The p.S726 residue is conserved in mammals and computational analyses (PolyPhen-2, SIFT, MutationTaster, Revel, FATHMM, MetaLR, DANN) provide inconsistent predictions regarding the impact to the protein; this information is not very predictive of pathogenicity. The variant occurs outside of the splicing consensus sequence and in silico or computational prediction software programs (Splice AI exome) do not predict a difference in splicing. In summary, based on the above information the clinical significance of this variant cannot be determined with certainty at this time. This variant is classified as a variant of uncertain significance.

NM_001366686.3(SIK3):c.2978C>T (p.Ser993Leu)

Gene: SIK3 (SIK family kinase 3; minus strand). Cytogenetic location: 11q23.3.
Variant type: single nucleotide variant.
Coding change: c.2978C>T on transcript NM_001366686.3 (MANE Select); coding-DNA position 2978, C replaced by T.
Protein change: p.Ser993Leu; replaces serine 993 with leucine.
Molecular consequence: missense variant.
Genome position (GRCh38, 1-based): chr11:116,858,487, G>A on the plus strand (C>T on the coding strand, the complement: SIK3 is on the minus strand). VCF-style: chr11-116858487-G-A. GRCh37 (hg19) VCF-style: chr11-116729203-G-A.
Other names: c.2177C>T, p.Ser726Leu (NM_001281748.3); c.2654C>T, p.Ser885Leu (NM_001281749.3); c.2834C>T, p.Ser945Leu (NM_025164.6); short protein forms S726L, S885L, S945L, S993L.
Identifiers: ClinVar variation 1049739 (VCV001049739.1), dbSNP rs770197979, ClinGen allele CA6290272.